The following is an entry in ClinVar:

ClinVar aggregate classification (germline): Likely benign. Review status: criteria provided, multiple submitters, no conflicts (2 of 4 stars). 4 submissions from 4 submitters: Likely benign (4). Last evaluated 2026-01-20.

Conditions:
Inborn genetic diseases. Identifiers: MedGen C0950123, MeSH D030342.
Xeroderma pigmentosum (XP). Identifiers: Orphanet 910, MedGen C0043346, MONDO:0019600.

Allele frequency attached by ClinVar (database versions not stated): ExAC 0.00006; gnomAD 0.00010; gnomAD exomes 0.00010 and 0.00016; TOPMed 0.00013.
gnomAD v4.1: 246 of 1,613,900 alleles (0.015%); highest among the groups gnomAD compares: Non-Finnish European, 0.017%; no homozygotes.

Submissions (4):

Labcorp Genetics (formerly Invitae), Labcorp
Classification: Likely benign. Last evaluated: 2026-01-20. Review status: criteria provided, single submitter. Criteria: Invitae Variant Classification Sherloc (09022015). Collection method: clinical testing. Allele origin: germline.

CeGaT Center for Human Genetics Tuebingen
Classification: Likely benign. Last evaluated: 2023-09-01. Review status: criteria provided, single submitter. Criteria: CeGaT Center For Human Genetics Tuebingen Variant Classification Criteria Version 2. Collection method: clinical testing. Allele origin: germline. Affected: yes. Observed: 2 variant alleles.
Comment: ERCC2: BP4, BP7

Ambry Genetics
Classification: Likely benign for Inborn genetic diseases. Last evaluated: 2022-02-28. Review status: criteria provided, single submitter. Criteria: Ambry Variant Classification Scheme 2023. Collection method: clinical testing. Allele origin: germline.

Sema4
Classification: Likely benign for Xeroderma pigmentosum. Last evaluated: 2020-08-04. Review status: criteria provided, single submitter. Criteria: Sema4 Curation Guidelines. Collection method: curation. Allele origin: germline.

NM_000400.4(ERCC2):c.297C>T (p.Gly99=)

Gene: ERCC2 (ERCC excision repair 2, TFIIH core complex helicase subunit; minus strand). Cytogenetic location: 19q13.32.
Variant type: single nucleotide variant.
Coding change: c.297C>T on transcript NM_000400.4 (MANE Select); coding-DNA position 297, C replaced by T.
Protein change: p.Gly99=; no amino-acid change (glycine 99 retained).
Molecular consequence: synonymous variant.
Genome position (GRCh38, 1-based): chr19:45,368,693, G>A on the plus strand (C>T on the coding strand, the complement: ERCC2 is on the minus strand). VCF-style: chr19-45368693-G-A. GRCh37 (hg19) VCF-style: chr19-45871951-G-A.
Other names: c.225C>T, p.Gly75= (NM_001130867.2).
Identifiers: ClinVar variation 729457 (VCV000729457.37), dbSNP rs200953364, ClinGen allele CA9513835.